The following is an entry in ClinVar:

NM_003482.4(KMT2D):c.6575C>T (p.Ala2192Val)

Gene: KMT2D (lysine methyltransferase 2D; minus strand). Cytogenetic location: 12q13.12.
Variant type: single nucleotide variant.
Coding change: c.6575C>T on transcript NM_003482.4 (MANE Select); coding-DNA position 6575, C replaced by T.
Protein change: p.Ala2192Val; replaces alanine 2192 with valine.
Molecular consequence: missense variant.
Genome position (GRCh38, 1-based): chr12:49,041,195, G>A on the plus strand (C>T on the coding strand, the complement: KMT2D is on the minus strand). VCF-style: chr12-49041195-G-A. GRCh37 (hg19) VCF-style: chr12-49434978-G-A.
Other names: short protein forms A2192V.
Identifiers: ClinVar variation 4801236 (VCV004801236.2).
Genomic context (GRCh38, chr12:49,041,195, plus strand): 5'-AGCATCGGGGGCTGCGCAGGGGCCCCCGTAGGACTAGGATAGGGGGGATAGGTGGGCGGT[G>A]CCGTGGGGAAGCGGGGCTCCAGGGGATAGGCAGGGGCCAGTCCAAAGGGGTCCTGCGAAG-3'
Protein context (NP_003473.3, residues 2182-2202): AYPLEPRFPT[Ala2192Val]PPTYPPYPSP

ClinVar aggregate classification (germline): Uncertain significance. Review status: criteria provided, multiple submitters, no conflicts (2 of 4 stars). 2 submissions from 2 submitters: Uncertain significance (2). Last evaluated 2026-02-04.

Conditions:
Kabuki syndrome. Also called: Kabuki make-up syndrome; NIIKAWA-KUROKI SYNDROME. Identifiers: Orphanet 2322, MedGen C0796004, MONDO:0016512.
KMT2D-related disorder. Also called: KMT2D-Related Disorders.

gnomAD v4.1: 1 of 1,515,172 alleles (0.000066%); highest among the groups gnomAD compares: South Asian, 0.0013%; no homozygotes.

Submissions (2):

PreventionGenetics, part of Exact Sciences
Classification: Uncertain significance for KMT2D-related condition. Last evaluated: 2026-02-04. Review status: criteria provided, single submitter. Criteria: ACMG Guidelines, 2015. Collection method: clinical testing. Allele origin: germline.
Comment: The KMT2D c.6575C>T variant is predicted to result in the amino acid substitution p.Ala2192Val. To our knowledge, this variant has not been reported in the literature or in a large population database (gnomAD), indicating this variant is rare. At this time, the clinical significance of this variant is uncertain due to the absence of conclusive functional and genetic evidence.

Labcorp Genetics (formerly Invitae), Labcorp
Classification: Uncertain significance for Kabuki syndrome. Last evaluated: 2025-02-18. Review status: criteria provided, single submitter. Criteria: Invitae Variant Classification Sherloc (09022015). Collection method: clinical testing. Allele origin: germline.
Comment: This sequence change replaces alanine, which is neutral and non-polar, with valine, which is neutral and non-polar, at codon 2192 of the KMT2D protein (p.Ala2192Val). This variant is not present in population databases (gnomAD no frequency). This variant has not been reported in the literature in individuals affected with KMT2D-related conditions. Invitae Evidence Modeling of protein sequence and biophysical properties (such as structural, functional, and spatial information, amino acid conservation, physicochemical variation, residue mobility, and thermodynamic stability) indicates that this missense variant is not expected to disrupt KMT2D protein function with a negative predictive value of 95%. Algorithms developed to predict the effect of sequence changes on RNA splicing suggest that this variant may create or strengthen a splice site. In summary, the available evidence is currently insufficient to determine the role of this variant in disease. Therefore, it has been classified as a Variant of Uncertain Significance.